The following is an entry in ClinVar:

ClinVar aggregate classification (germline): Pathogenic/Likely pathogenic. Review status: criteria provided, multiple submitters, no conflicts (2 of 4 stars). 3 submissions from 3 submitters: Pathogenic (2); Likely pathogenic (1). Last evaluated 2025-06-04.

Conditions:
Cystic leukoencephalopathy without megalencephaly. Identifiers: Orphanet 85136, MedGen C2751843, MONDO:0013058, OMIM 612951.
Inborn genetic diseases. Identifiers: MedGen C0950123, MeSH D030342.

Allele frequency attached by ClinVar (database versions not stated): gnomAD exomes 0.00002; ExAC 0.00004; gnomAD 0.00001.
gnomAD v4.1: 26 of 1,263,090 alleles (0.0021%); highest among the groups gnomAD compares: Non-Finnish European, 0.0028%; no homozygotes.

Submissions (3):

First Genomix Gene Laboratory, Genetic Diagnostics Department
Classification: Likely pathogenic for Cystic leukoencephalopathy without megalencephaly. Last evaluated: 2025-06-04. Review status: criteria provided, single submitter. Criteria: ACMG Guidelines, 2015. Collection method: clinical testing. Allele origin: germline. Inheritance: Autosomal recessive inheritance. Affected: no. Observed: 1 variant allele.

Labcorp Genetics (formerly Invitae), Labcorp
Classification: Pathogenic. Last evaluated: 2023-01-20. Review status: criteria provided, single submitter. Criteria: Invitae Variant Classification Sherloc (09022015). Collection method: clinical testing. Allele origin: germline.
Comment: For these reasons, this variant has been classified as Pathogenic. Algorithms developed to predict the effect of sequence changes on RNA splicing suggest that this variant may disrupt the consensus splice site. This variant has not been reported in the literature in individuals affected with RNASET2-related conditions. This variant is present in population databases (rs750669368, gnomAD 0.006%). This sequence change creates a premature translational stop signal (p.Gln52*) in the RNASET2 gene. It is expected to result in an absent or disrupted protein product. Loss-of-function variants in RNASET2 are known to be pathogenic (PMID: 19525954, 25044680, 29336640).

Ambry Genetics
Classification: Pathogenic for Inborn genetic diseases. Last evaluated: 2022-10-13. Review status: criteria provided, single submitter. Criteria: Ambry Variant Classification Scheme 2023. Collection method: clinical testing. Allele origin: germline.
Comment: The c.154C>T (p.Q52*) alteration, located in exon 3 (coding exon 3) of the RNASET2 gene, consists of a C to T substitution at nucleotide position 154. This changes the amino acid from a glutamine (Q) to a stop codon at amino acid position 52. This alteration is expected to result in loss of function by premature protein truncation or nonsense-mediated mRNA decay. Based on data from gnomAD, the T allele has an overall frequency of 0.002% (7/282782) total alleles studied. The highest observed frequency was 0.005% (7/129126) of European (non-Finnish) alleles. Based on the available evidence, this alteration is classified as pathogenic.

Literature cited by the submitters: PubMed 19525954 (cited by Labcorp Genetics (formerly Invitae), Labcorp); PubMed 25044680 (cited by Labcorp Genetics (formerly Invitae), Labcorp); PubMed 29336640 (cited by Labcorp Genetics (formerly Invitae), Labcorp).

NM_003730.6(RNASET2):c.154C>T (p.Gln52Ter)

Gene: RNASET2 (ribonuclease T2; minus strand). Cytogenetic location: 6q27.
Variant type: single nucleotide variant.
Coding change: c.154C>T on transcript NM_003730.6 (MANE Select); coding-DNA position 154, C replaced by T.
Protein change: p.Gln52Ter; replaces glutamine 52 with a stop codon.
Molecular consequence: nonsense.
Genome position (GRCh38, 1-based): chr6:166,948,619, G>A on the plus strand (C>T on the coding strand, the complement: RNASET2 is on the minus strand). VCF-style: chr6-166948619-G-A. GRCh37 (hg19) VCF-style: chr6-167362107-G-A.
Other names: short protein forms Q52*.
Identifiers: ClinVar variation 2217501 (VCV002217501.6), dbSNP rs750669368, ClinGen allele CA4095156.